The following is an entry in ClinVar:

NM_001042492.3(NF1):c.669G>A (p.Trp223Ter)

Gene: NF1 (neurofibromin 1; plus strand). Cytogenetic location: 17q11.2.
Variant type: single nucleotide variant.
Coding change: c.669G>A on transcript NM_001042492.3 (MANE Select); coding-DNA position 669, G replaced by A.
Protein change: p.Trp223Ter; replaces tryptophan 223 with a stop codon.
Molecular consequence: nonsense.
Genome position (GRCh38, 1-based): chr17:31,181,724, G>A. VCF-style: chr17-31181724-G-A. GRCh37 (hg19) VCF-style: chr17-29508742-G-A.
Other names: c.669G>A, p.Trp223Ter (NM_000267.4, NM_001128147.3); short protein forms W223*.
Identifiers: ClinVar variation 372756 (VCV000372756.12), dbSNP rs1057517967, ClinGen allele CA16043099.

ClinVar aggregate classification (germline): Pathogenic. Review status: criteria provided, multiple submitters, no conflicts (2 of 4 stars). 4 submissions from 4 submitters: Pathogenic (4). Last evaluated 2024-01-24.

Conditions:
Hereditary cancer-predisposing syndrome. Also called: Tumor predisposition; Hereditary Cancer Syndrome; Hereditary neoplastic syndrome; Neoplastic Syndromes, Hereditary. Identifiers: Orphanet 140162, MedGen C0027672, MeSH D009386, MONDO:0015356.
Neurofibromatosis, type 1 (NF1). Also called: NEUROFIBROMATOSIS, TYPE I, SOMATIC; VON RECKLINGHAUSEN DISEASE; Peripheral type neurofibromatosis; Neurofibromatosis, type I. Identifiers: Orphanet 636, MedGen C0027831, MONDO:0018975, OMIM 162200. Disease mechanism: loss of function.

Submissions (4):

Labcorp Genetics (formerly Invitae), Labcorp
Classification: Pathogenic for Neurofibromatosis, type 1. Last evaluated: 2024-01-24. Review status: criteria provided, single submitter. Criteria: Invitae Variant Classification Sherloc (09022015). Collection method: clinical testing. Allele origin: germline.
Comment: This sequence change creates a premature translational stop signal (p.Trp223*) in the NF1 gene. It is expected to result in an absent or disrupted protein product. Loss-of-function variants in NF1 are known to be pathogenic (PMID: 10712197, 23913538). This variant is not present in population databases (gnomAD no frequency). This premature translational stop signal has been observed in individual(s) with neurofibromatosis type 1 (PMID: 25074460). ClinVar contains an entry for this variant (Variation ID: 372756). For these reasons, this variant has been classified as Pathogenic.

Genome-Nilou Lab
Classification: Pathogenic for Neurofibromatosis, type 1. Last evaluated: 2022-03-15. Review status: criteria provided, single submitter. Criteria: ACMG Guidelines, 2015. Collection method: clinical testing. Allele origin: germline. Affected: no.

GeneDx
Classification: Pathogenic. Last evaluated: 2016-10-17. Review status: criteria provided, single submitter. Criteria: GeneDx Variant Classification (06012015). Collection method: clinical testing. Allele origin: germline. Affected: yes.
Comment: The W223X variant in the NF1 gene has been reported in at least one individual with clinical features of neurofibromatosis type 1 (Pasmant 2015). This variant is predicted to cause loss of normal protein function either through protein truncation or nonsense-mediated mRNA decay. The W223X variant was not observed in approximately 6500 individuals of European and African American ancestry in the NHLBI Exome Sequencing Project, indicating it is not a common benign variant in these populations. Based on currently available evidence, we consider W223X to be a pathogenic variant.

Ambry Genetics
Classification: Pathogenic for Hereditary cancer-predisposing syndrome. Last evaluated: 2015-11-12. Review status: criteria provided, single submitter. Criteria: Ambry Autosomal Dominant and X-Linked criteria (10/2015). Collection method: clinical testing. Allele origin: germline. Observed: 1 variant allele.
Comment: The p.W223* pathogenic mutation (also known as c.669G>A), located in coding exon 7 of the NF1 gene, results from a G to A substitution at nucleotide position 669. This changes the amino acid from a tryptophan to a stop codon within coding exon 7. This alteration was reported inan individual with neurofibromatosis (PasmantE et al.Eur. J. Hum. Genet. 2015 May;23(5):596-601). In addition to the information presented in the literature, since premature stop codons are typically deleterious in nature, this alteration is interpreted as a disease-causing mutation (ACMG Recommendations for Standards for Interpretation and Reporting of Sequence Variations. Revision 2007. Genet Med. 2008;10:294).<br /> .

Literature cited by the submitters: PubMed 10712197 (cited by Labcorp Genetics (formerly Invitae), Labcorp); PubMed 23913538 (cited by Labcorp Genetics (formerly Invitae), Labcorp); PubMed 25074460 (cited by Labcorp Genetics (formerly Invitae), Labcorp and Ambry Genetics).